The following is an entry in ClinVar:

NM_152309.3(PIK3AP1):c.237C>G (p.Phe79Leu)

Gene: PIK3AP1 (phosphoinositide-3-kinase adaptor protein 1; minus strand). Cytogenetic location: 10q24.1.
Variant type: single nucleotide variant.
Coding change: c.237C>G on transcript NM_152309.3 (MANE Select); coding-DNA position 237, C replaced by G.
Protein change: p.Phe79Leu; replaces phenylalanine 79 with leucine.
Molecular consequence: missense variant.
Genome position (GRCh38, 1-based): chr10:96,709,760, G>C on the plus strand (C>G on the coding strand, the complement: PIK3AP1 is on the minus strand). VCF-style: chr10-96709760-G-C. GRCh37 (hg19) VCF-style: chr10-98469517-G-C.
Other names: short protein forms F79L.
Identifiers: ClinVar variation 1462301 (VCV001462301.8), dbSNP rs1324659918, ClinGen allele CA377759721.
Genomic context (GRCh38, chr10:96,709,760, plus strand): 5'-GACCACGCGGTGCGGAGGATGGAAAGCTCTCTGCAGCAGGGGCAGCAAGGCGGGCTTGTG[G>C]AAGTGCTGCACCAGCTCCGCGGACAGCAGCACCACGACACAGCGGGTGCTGAGGAAAAGG-3'
Protein context (NP_689522.2, residues 69-89): VLLSAELVQH[Phe79Leu]HKPALLPLLQ

ClinVar aggregate classification (germline): Uncertain significance (1 of 4 stars; one submission).

Conditions:
Infantile spasms. Also called: Infantile spasm. Identifiers: MedGen C3887898, HP:0012469.

Allele frequency attached by ClinVar (database versions not stated): gnomAD exomes below 0.00001.
gnomAD v4.1: 1 of 1,613,910 alleles (0.000062%); highest among the groups gnomAD compares: African/African-American, 0.0013%; no homozygotes.

Submission:

Labcorp Genetics (formerly Invitae), Labcorp
Classification: Uncertain significance for Infantile spasms. Last evaluated: 2024-02-01. Review status: criteria provided, single submitter. Criteria: Invitae Variant Classification Sherloc (09022015). Collection method: clinical testing. Allele origin: germline.
Comment: This sequence change replaces phenylalanine, which is neutral and non-polar, with leucine, which is neutral and non-polar, at codon 79 of the PIK3AP1 protein (p.Phe79Leu). This variant is present in population databases (no rsID available, gnomAD 0.007%). This variant has not been reported in the literature in individuals affected with PIK3AP1-related conditions. ClinVar contains an entry for this variant (Variation ID: 1462301). Algorithms developed to predict the effect of missense changes on protein structure and function output the following: SIFT: "Not Available"; PolyPhen-2: "Benign"; Align-GVGD: "Not Available". The leucine amino acid residue is found in multiple mammalian species, which suggests that this missense change does not adversely affect protein function. In summary, the available evidence is currently insufficient to determine the role of this variant in disease. Therefore, it has been classified as a Variant of Uncertain Significance.